The following is an entry in ClinVar:

ClinVar aggregate classification (germline): Pathogenic (1 of 4 stars; one submission).

Submission:

Labcorp Genetics (formerly Invitae), Labcorp
Classification: Pathogenic. Last evaluated: 2019-08-01. Review status: criteria provided, single submitter. Criteria: Invitae Variant Classification Sherloc (09022015). Collection method: clinical testing. Allele origin: germline.
Comment: For these reasons, this variant has been classified as Pathogenic. Loss-of-function variants in SLC26A4 are known to be pathogenic (PMID: 16283880, 25394566, 26252218, 26445815). A different variant leading to the same premature stop signal has been observed in an individual affected with Pendred syndrome (PMID: 19615760). This variant is not present in population databases (ExAC no frequency). This sequence change creates a premature translational stop signal (p.Ser314*) in the SLC26A4 gene. It is expected to result in an absent or disrupted protein product.

Literature cited by the submitters: PubMed 16283880; PubMed 25394566; PubMed 26252218; PubMed 26445815; PubMed 19615760.

NM_000441.2(SLC26A4):c.941C>G (p.Ser314Ter)

Gene: SLC26A4 (solute carrier family 26 member 4; plus strand). Cytogenetic location: 7q22.3.
Variant type: single nucleotide variant.
Coding change: c.941C>G on transcript NM_000441.2 (MANE Select); coding-DNA position 941, C replaced by G.
Protein change: p.Ser314Ter; replaces serine 314 with a stop codon.
Molecular consequence: nonsense.
Genome position (GRCh38, 1-based): chr7:107,683,477, C>G. VCF-style: chr7-107683477-C-G. GRCh37 (hg19) VCF-style: chr7-107323922-C-G.
Other names: short protein forms S314*.
Identifiers: ClinVar variation 955472 (VCV000955472.8), dbSNP rs1791311163, ClinGen allele CA368835702.